The following is an entry in ClinVar:

ClinVar aggregate classification (germline): Likely benign (1 of 4 stars; one submission).

Submission:

CeGaT Center for Human Genetics Tuebingen
Classification: Likely benign. Last evaluated: 2024-11-01. Review status: criteria provided, single submitter. Criteria: CeGaT Center For Human Genetics Tuebingen Variant Classification Criteria Version 2. Collection method: clinical testing. Allele origin: germline. Affected: yes. Observed: 1 variant allele.
Comment: NDUFA8: PM2:Supporting, BP4, BP7

NM_014222.3(NDUFA8):c.306A>G (p.Lys102=)

Gene: NDUFA8 (NADH:ubiquinone oxidoreductase subunit A8; minus strand). Cytogenetic location: 9q33.2.
Variant type: single nucleotide variant.
Coding change: c.306A>G on transcript NM_014222.3 (MANE Select); coding-DNA position 306, A replaced by G.
Protein change: p.Lys102=; no amino-acid change (lysine 102 retained).
Molecular consequence: synonymous variant.
Genome position (GRCh38, 1-based): chr9:122,148,187, T>C on the plus strand (A>G on the coding strand, the complement: NDUFA8 is on the minus strand). VCF-style: chr9-122148187-T-C. GRCh37 (hg19) VCF-style: chr9-124910466-T-C.
Other names: c.306A>G, p.Lys102= (NM_001318195.2).
Identifiers: ClinVar variation 3388526 (VCV003388526.14).
Genomic context (GRCh38, chr9:122,148,187, plus strand): 5'-CAGGTCAGGCCGCACCCAGCCCAGTTTGTCCAGCACACACTCGTCAAACTTTGCCTGCTG[T>C]TTGCGACAGTGACGAAATAACTGCTGGCCAGTATAATCAATGCAAGTCCAATATTCTGTA-3'
Protein context (NP_055037.1, residues 92-112): TGQQLFRHCR[Lys102=]QQAKFDECVL